The following is an entry in ClinVar:

ClinVar aggregate classification (germline): Uncertain significance. Review status: criteria provided, multiple submitters, no conflicts (2 of 4 stars). 3 submissions from 3 submitters: Uncertain significance (3). Last evaluated 2025-06-27.

Conditions:
Atrial fibrillation, familial, 7 (ATFB7). Identifiers: MedGen C2677106, MONDO:0012828, OMIM 612240.
Inborn genetic diseases. Identifiers: MedGen C0950123, MeSH D030342.

Allele frequency attached by ClinVar (database versions not stated): gnomAD exomes below 0.00001 and 0.00003; ExAC 0.00006; TOPMed 0.00008; gnomAD 0.00009.
gnomAD v4.1: 16 of 1,548,500 alleles (0.001%); highest among the groups gnomAD compares: African/African-American, 0.02%; no homozygotes.

Submissions (3):

Labcorp Genetics (formerly Invitae), Labcorp
Classification: Uncertain significance for Atrial fibrillation, familial, 7. Last evaluated: 2025-06-27. Review status: criteria provided, single submitter. Criteria: Invitae Variant Classification Sherloc (09022015). Collection method: clinical testing. Allele origin: germline.
Comment: This sequence change replaces glycine, which is neutral and non-polar, with valine, which is neutral and non-polar, at codon 63 of the KCNA5 protein (p.Gly63Val). This variant is present in population databases (rs768062067, gnomAD 0.03%). This variant has not been reported in the literature in individuals affected with KCNA5-related conditions. ClinVar contains an entry for this variant (Variation ID: 640925). An algorithm developed to predict the effect of missense changes on protein structure and function (PolyPhen-2) suggests that this variant is likely to be tolerated. In summary, the available evidence is currently insufficient to determine the role of this variant in disease. Therefore, it has been classified as a Variant of Uncertain Significance.

Ambry Genetics
Classification: Uncertain significance for Inborn genetic diseases. Last evaluated: 2021-06-18. Review status: criteria provided, single submitter. Criteria: Ambry Variant Classification Scheme 2023. Collection method: clinical testing. Allele origin: germline.

GeneDx
Classification: Uncertain significance. Last evaluated: 2019-07-25. Review status: criteria provided, single submitter. Criteria: GeneDx Variant Classification Process June 2021. Collection method: clinical testing. Allele origin: germline. Affected: yes.
Comment: Has not been previously published as pathogenic or benign to our knowledge; Not observed at a significant frequency in large population cohorts (Lek et al., 2016); In silico analysis, which includes protein predictors and evolutionary conservation, supports that this variant does not alter protein structure/function

NM_002234.4(KCNA5):c.188G>T (p.Gly63Val)

Gene: KCNA5 (potassium voltage-gated channel subfamily A member 5; plus strand). Cytogenetic location: 12p13.32.
Variant type: single nucleotide variant.
Coding change: c.188G>T on transcript NM_002234.4 (MANE Select); coding-DNA position 188, G replaced by T.
Protein change: p.Gly63Val; replaces glycine 63 with valine.
Molecular consequence: missense variant.
Genome position (GRCh38, 1-based): chr12:5,044,335, G>T. VCF-style: chr12-5044335-G-T. GRCh37 (hg19) VCF-style: chr12-5153501-G-T.
Other names: short protein forms G63V.
Identifiers: ClinVar variation 640925 (VCV000640925.8), dbSNP rs768062067, ClinGen allele CA6399560.